The following is an entry in ClinVar:

ClinVar aggregate classification (germline): Uncertain significance (1 of 4 stars; one submission).

Conditions:
Generalized epilepsy-paroxysmal dyskinesia syndrome (PNKD3). Also called: Generalized epilepsy and paroxysmal dyskinesia; Paroxysmal nonkinesigenic dyskinesia, 3, with or without generalized epilepsy. Identifiers: Orphanet 79137, MedGen C5574945, MONDO:0012276, OMIM 609446.

Submission:

Labcorp Genetics (formerly Invitae), Labcorp
Classification: Uncertain significance for Generalized epilepsy-paroxysmal dyskinesia syndrome. Last evaluated: 2024-03-19. Review status: criteria provided, single submitter. Criteria: Invitae Variant Classification Sherloc (09022015). Collection method: clinical testing. Allele origin: germline.
Comment: This sequence change replaces asparagine, which is neutral and polar, with serine, which is neutral and polar, at codon 3 of the KCNMA1 protein (p.Asn3Ser). This variant is not present in population databases (gnomAD no frequency). This variant has not been reported in the literature in individuals affected with KCNMA1-related conditions. Experimental studies and prediction algorithms are not available or were not evaluated, and the functional significance of this variant is currently unknown. In summary, the available evidence is currently insufficient to determine the role of this variant in disease. Therefore, it has been classified as a Variant of Uncertain Significance.

NM_001161352.2(KCNMA1):c.8A>G (p.Asn3Ser)

Gene: KCNMA1 (potassium calcium-activated channel subfamily M alpha 1; minus strand). Cytogenetic location: 10q22.3.
Variant type: single nucleotide variant.
Coding change: c.8A>G on transcript NM_001161352.2 (MANE Select); coding-DNA position 8, A replaced by G.
Protein change: p.Asn3Ser; replaces asparagine 3 with serine.
Molecular consequence: missense variant.
Genome position (GRCh38, 1-based): chr10:77,637,635, T>C on the plus strand (A>G on the coding strand, the complement: KCNMA1 is on the minus strand). VCF-style: chr10-77637635-T-C. GRCh37 (hg19) VCF-style: chr10-79397393-T-C.
Other names: c.8A>G, p.Asn3Ser (NM_001014797.3, NM_001161353.2, NM_001271518.2 and 13 more transcripts); short protein forms N3S.
Identifiers: ClinVar variation 3646721 (VCV003646721.2).